The following is an entry in ClinVar:

ClinVar aggregate classification (germline): Benign (1 of 4 stars; one submission).

Conditions:
Colorectal cancer, hereditary nonpolyposis, type 7. Identifiers: Orphanet 144, MedGen C1858380, MONDO:0013725, OMIM 614385.

Submission:

Myriad Genetics, Inc.
Classification: Benign for Colorectal cancer, hereditary nonpolyposis, type 7. Last evaluated: 2026-09-18. Review status: criteria provided, single submitter. Criteria: Myriad Autosomal Dominant, Autosomal Recessive and X-Linked Classification Criteria (2023). Collection method: clinical testing. Allele origin: unknown.
Comment: This variant is considered benign. This variant is a silent/synonymous amino acid change and it is not expected to impact splicing.

NM_001040108.2(MLH3):c.2940C>G (p.Thr980=)

Gene: MLH3 (mutL homolog 3; minus strand). Cytogenetic location: 14q24.3.
Variant type: single nucleotide variant.
Coding change: c.2940C>G on transcript NM_001040108.2 (MANE Select); coding-DNA position 2940, C replaced by G.
Protein change: p.Thr980=; no amino-acid change (threonine 980 retained).
Molecular consequence: synonymous variant.
Genome position (GRCh38, 1-based): chr14:75,046,716, G>C on the plus strand (C>G on the coding strand, the complement: MLH3 is on the minus strand). VCF-style: chr14-75046716-G-C. GRCh37 (hg19) VCF-style: chr14-75513419-G-C.
Other names: c.2940C>G, p.Thr980= (NM_014381.3).
Identifiers: ClinVar variation 5042156 (VCV005042156.1).